The following is an entry in ClinVar:

NM_194248.3(OTOF):c.5882C>T (p.Thr1961Met)

Gene: OTOF (otoferlin; minus strand). Cytogenetic location: 2p23.3.
Variant type: single nucleotide variant.
Coding change: c.5882C>T on transcript NM_194248.3 (MANE Select); coding-DNA position 5882, C replaced by T.
Protein change: p.Thr1961Met; replaces threonine 1961 with methionine.
Molecular consequence: missense variant. On other transcripts: intron variant (2).
Genome position (GRCh38, 1-based): chr2:26,460,137, G>A on the plus strand (C>T on the coding strand, the complement: OTOF is on the minus strand). VCF-style: chr2-26460137-G-A. GRCh37 (hg19) VCF-style: chr2-26683005-G-A.
Other names: c.3581C>T, p.Thr1194Met (NM_004802.4); c.3812C>T, p.Thr1271Met (NM_194322.3); c.5813+510C>T (NM_001287489.2); c.3512+510C>T (NM_194323.3); short protein forms T1194M, T1961M, T1271M.
Identifiers: ClinVar variation 666733 (VCV000666733.4), dbSNP rs779578562, ClinGen allele CA1562666.

ClinVar aggregate classification (germline): Likely benign (1 of 4 stars; one submission).

Allele frequency attached by ClinVar (database versions not stated): ExAC 0.00002; gnomAD exomes 0.00001.
gnomAD v4.1: 9 of 1,600,968 alleles (0.00056%); highest among the groups gnomAD compares: Admixed American, 0.0017%; no homozygotes.

Submission:

Laboratory for Molecular Medicine, Mass General Brigham Personalized Medicine
Classification: Likely benign. Last evaluated: 2018-10-31. Review status: criteria provided, single submitter. Criteria: LMM Criteria. Collection method: clinical testing. Allele origin: germline. Observed: 1 variant allele.
Comment: The p.Thr1961Met variant in OTOF is classified as likely benign due to a lack of conservation across species. Several species, including four mammals, have Meth ionine (Met) at this position. It has been identified in 1/31468 Latino chromoso mes by the Genome Aggregation Database (gnomAD ). ACMG/AMP Criteria applied: BP4_Strong